The following is an entry in ClinVar:

NM_003366.4(UQCRC2):c.761G>A (p.Arg254His)

Genes: PDZD9 (PDZ domain containing 9), UQCRC2 (ubiquinol-cytochrome c reductase core protein 2). Cytogenetic location: 16p12.2.
Variant type: single nucleotide variant.
Coding change: c.761G>A on transcript NM_003366.4 (MANE Select); coding-DNA position 761, G replaced by A.
Protein change: p.Arg254His; replaces arginine 254 with histidine.
Molecular consequence: missense variant.
Genome position (GRCh38, 1-based): chr16:21,971,615, G>A. VCF-style: chr16-21971615-G-A. GRCh37 (hg19) VCF-style: chr16-21982936-G-A.
Other names: short protein forms R254H.
Identifiers: ClinVar variation 380590 (VCV000380590.13), dbSNP rs11863893, ClinGen allele CA7953849.

ClinVar aggregate classification (germline): Benign. Review status: criteria provided, multiple submitters, no conflicts (2 of 4 stars). 4 submissions from 4 submitters: Benign (3). 1 of the submissions does not count toward it. Last evaluated 2026-02-03.

Allele frequency attached by ClinVar (database versions not stated): gnomAD exomes 0.00570 and 0.01504; ExAC 0.01868; gnomAD 0.05674 and 0.06087; TOPMed 0.06486; 1000 Genomes Project 0.06530; ESP Exome Variant Server 0.06725; 1000 Genomes Project 30x 0.06824.
gnomAD v4.1: 17,397 of 1,613,718 alleles (1.1%); highest among the groups gnomAD compares: African/African-American, 20%; 1,540 homozygotes.

Submissions (4):

Labcorp Genetics (formerly Invitae), Labcorp
Classification: Benign. Last evaluated: 2026-02-03. Review status: criteria provided, single submitter. Criteria: Invitae Variant Classification Sherloc (09022015). Collection method: clinical testing. Allele origin: germline.

GeneDx
Classification: Benign. Last evaluated: 2015-12-10. Review status: criteria provided, single submitter. Criteria: GeneDx Variant Classification (06012015). Collection method: clinical testing. Allele origin: germline. Affected: yes.
Comment: This variant is considered likely benign or benign based on one or more of the following criteria: it is a conservative change, it occurs at a poorly conserved position in the protein, it is predicted to be benign by multiple in silico algorithms, and/or has population frequency not consistent with disease.

Breakthrough Genomics
Classification: Benign. Review status: criteria provided, single submitter. Criteria: ACMG Guidelines, 2015. Collection method: not provided. Allele origin: germline. Inheritance: Autosomal recessive inheritance. Affected: yes.

Mayo Clinic Laboratories, Mayo Clinic
Classification: Benign. Last evaluated: 2016-03-16. Review status: no assertion criteria provided. Collection method: clinical testing. Allele origin: unknown. Not counted in ClinVar's aggregate classification.